The following is an entry in ClinVar:

NM_005869.4(CWC27):c.872A>C (p.Lys291Thr)

Gene: CWC27 (CWC27 spliceosome associated cyclophilin; plus strand). Cytogenetic location: 5q12.3.
Variant type: single nucleotide variant.
Coding change: c.872A>C on transcript NM_005869.4 (MANE Select); coding-DNA position 872, A replaced by C.
Protein change: p.Lys291Thr; replaces lysine 291 with threonine.
Molecular consequence: missense variant.
Genome position (GRCh38, 1-based): chr5:64,804,320, A>C. VCF-style: chr5-64804320-A-C. GRCh37 (hg19) VCF-style: chr5-64100147-A-C.
Other names: c.872A>C, p.Lys291Thr (NM_001297645.2, NM_001318000.2, NM_001364478.1 and 1 more transcripts); short protein forms K291T.
Identifiers: ClinVar variation 3720910 (VCV003720910.2).
Genomic context (GRCh38, chr5:64,804,320, plus strand): 5'-AATATATTGATGGTGATGAAAAGAACCTGATGAGAGAAAGAATTGCCAAAAAATTAAAAA[A>C]GGACACAAGTGCGAATGTTAAATCAGCTGGAGAAGGAGAAGTGGAGAAGAAATCAGTCAG-3'
Protein context (NP_005860.2, residues 281-301): MRERIAKKLK[Lys291Thr]DTSANVKSAG

ClinVar aggregate classification (germline): Uncertain significance (1 of 4 stars; one submission).

gnomAD v4.1: 4 of 1,613,050 alleles (0.00025%); highest among the groups gnomAD compares: Non-Finnish European, 0.00025%; no homozygotes.

Submission:

Labcorp Genetics (formerly Invitae), Labcorp
Classification: Uncertain significance. Last evaluated: 2024-07-12. Review status: criteria provided, single submitter. Criteria: Invitae Variant Classification Sherloc (09022015). Collection method: clinical testing. Allele origin: germline.
Comment: This sequence change replaces lysine, which is basic and polar, with threonine, which is neutral and polar, at codon 291 of the CWC27 protein (p.Lys291Thr). This variant is present in population databases (rs749944995, gnomAD 0.003%). This variant has not been reported in the literature in individuals affected with CWC27-related conditions. An algorithm developed to predict the effect of missense changes on protein structure and function (PolyPhen-2) suggests that this variant is likely to be tolerated. In summary, the available evidence is currently insufficient to determine the role of this variant in disease. Therefore, it has been classified as a Variant of Uncertain Significance.